The following is an entry in ClinVar:

ClinVar aggregate classification (germline): Likely benign. Review status: criteria provided, multiple submitters, no conflicts (2 of 4 stars). 2 submissions from 2 submitters: Likely benign (2). Last evaluated 2025-07-02.

Conditions:
Intellectual developmental disorder, X-linked 1. Also called: Atkin Flaitz Patil Smith syndrome; MENTAL RETARDATION, X-LINKED 18; MENTAL RETARDATION, X-LINKED 78; Intellectual disability, X-linked 1. Identifiers: Orphanet 777, MedGen C2931498, MONDO:0010656, OMIM 309530.

Submissions (2):

Labcorp Genetics (formerly Invitae), Labcorp
Classification: Likely benign for Intellectual developmental disorder, X-linked 1. Last evaluated: 2025-07-02. Review status: criteria provided, single submitter. Criteria: Invitae Variant Classification Sherloc (09022015). Collection method: clinical testing. Allele origin: germline.

GeneDx
Classification: Likely benign. Last evaluated: 2018-04-23. Review status: criteria provided, single submitter. Criteria: GeneDx Variant Classification (06012015). Collection method: clinical testing. Allele origin: germline. Affected: yes.
Comment: This variant is considered likely benign or benign based on one or more of the following criteria: it is a conservative change, it occurs at a poorly conserved position in the protein, it is predicted to be benign by multiple in silico algorithms, and/or has population frequency not consistent with disease.

NM_001111125.3(IQSEC2):c.999+11G>A

Gene: IQSEC2 (IQ motif and Sec7 domain ArfGEF 2; minus strand). Cytogenetic location: Xp11.22.
Variant type: single nucleotide variant.
Coding change: c.999+11G>A on transcript NM_001111125.3 (MANE Select); 11 bases into the intron after coding-DNA position 999, G replaced by A.
Molecular consequence: intron variant.
Genome position (GRCh38, 1-based): chrX:53,255,789, C>T on the plus strand (G>A on the coding strand, the complement: IQSEC2 is on the minus strand). VCF-style: chrX-53255789-C-T. GRCh37 (hg19) VCF-style: chrX-53284971-C-T.
Other names: c.384+11G>A (NM_015075.2).
Identifiers: ClinVar variation 682298 (VCV000682298.2), dbSNP rs1602293293, ClinGen allele CA915951101.